The following is an entry in ClinVar:

NM_001382241.1(TNPO2):c.1994T>C (p.Ile665Thr)

Gene: TNPO2 (transportin 2; minus strand). Cytogenetic location: 19p13.13.
Variant type: single nucleotide variant.
Coding change: c.1994T>C on transcript NM_001382241.1 (MANE Select); coding-DNA position 1994, T replaced by C.
Protein change: p.Ile665Thr; replaces isoleucine 665 with threonine.
Molecular consequence: missense variant. On other transcripts: non-coding transcript variant (6).
Genome position (GRCh38, 1-based): chr19:12,705,268, A>G on the plus strand (T>C on the coding strand, the complement: TNPO2 is on the minus strand). VCF-style: chr19-12705268-A-G. GRCh37 (hg19) VCF-style: chr19-12816082-A-G.
Other names: c.1994T>C, p.Ile665Thr (NM_001136195.2, NM_001136196.2, NM_001382236.1 and 7 more transcripts); short protein forms I665T.
Identifiers: ClinVar variation 3899199 (VCV003899199.1).

ClinVar aggregate classification (germline): Uncertain significance (1 of 4 stars; one submission).

Submission:

GeneDx
Classification: Uncertain significance. Last evaluated: 2024-11-07. Review status: criteria provided, single submitter. Criteria: GeneDx Variant Classification Process June 2021. Collection method: clinical testing. Allele origin: germline. Affected: yes.
Comment: Not observed at significant frequency in large population cohorts (gnomAD); In silico analysis supports that this missense variant has a deleterious effect on protein structure/function; Has not been previously published as pathogenic or benign to our knowledge